The following is an entry in ClinVar:

ClinVar aggregate classification (germline): Uncertain significance (1 of 4 stars; one submission).

Conditions:
C3 glomerulonephritis. Also called: C3 GLOMERULOPATHY 3; Nephropathy due to CFHR5 Deficiency. Identifiers: Orphanet 329931, MedGen C4055342, MONDO:0013892, OMIM 614809.

Submission:

Genomenon, Inc
Classification: Uncertain significance for C3 glomerulonephritis. Last evaluated: 2025-09-30. Review status: criteria provided, single submitter. Criteria: Genomenon Sequence Variant Interpretation Standards. Collection method: curation. Allele origin: germline. Affected: yes.
Comment: C3 c.4030-4C>G is a splice variant located in the acceptor splice region of intron 31. This variant has been observed in at least one proband affected with C3 glomerulonephritis (PMID:37744338). It is absent or not present at a significant frequency in gnomAD. In conclusion, we classify C3 c.4030-4C>G as a variant of unknown significance.

Literature cited by the submitters: PubMed 37744338.

NM_000064.4(C3):c.4030-4C>G

Gene: C3 (complement C3; minus strand). Cytogenetic location: 19p13.3.
Variant type: single nucleotide variant.
Coding change: c.4030-4C>G on transcript NM_000064.4 (MANE Select); 4 bases into the intron before coding-DNA position 4030, C replaced by G.
Molecular consequence: intron variant.
Genome position (GRCh38, 1-based): chr19:6,684,654, G>C on the plus strand (C>G on the coding strand, the complement: C3 is on the minus strand). VCF-style: chr19-6684654-G-C. GRCh37 (hg19) VCF-style: chr19-6684665-G-C.
Identifiers: ClinVar variation 4280255 (VCV004280255.1).
Genomic context (GRCh38, chr19:6,684,654, plus strand): 5'-GTCGAATTTATTACAGGTGAGTTGATCTTTGGCCTTAGCATGGTACATTGTCACCACCTG[G>C]TAAGATGGGAGAGGAGACACAATGTCAGCCCACAGGACTAGGACTGCTGGGGACAAGAGG-3'